The following is an entry in ClinVar:

NM_001378743.1(CYLD):c.2282_2283del (p.Lys761fs)

Genes: CYLD (CYLD lysine 63 deubiquitinase; plus strand), CYLD-AS2 (CYLD antisense RNA 2; minus strand). Cytogenetic location: 16q12.1.
Variant type: Deletion.
Coding change: c.2282_2283del on transcript NM_001378743.1 (MANE Select); coding-DNA positions 2282 to 2283, 2 bases deleted (AA; older notation c.2282_2283delAA).
Protein change: p.Lys761fs; shifts the reading frame from lysine 761.
Molecular consequence: frameshift variant. On other transcripts: non-coding transcript variant (1).
Genome position (GRCh38, 1-based): chr16:50,792,637-50,792,638, AA deleted; deleting any 2 consecutive bases within chr16:50,792,635-50,792,638 gives the same sequence; the c. name uses the placement nearest the transcript's 3' end. VCF-style (leftmost placement, unchanged base first): chr16-50792634-GAA-G. GRCh37 (hg19) VCF-style: chr16-50826545-GAA-G.
Other names: c.2282_2283del, p.Lys761fs (NM_015247.3); c.2273_2274del, p.Lys758fs (NM_001042355.2, NM_001042412.3, NM_001378744.1 and 6 more transcripts); c.2243_2244del, p.Lys748fs (NM_001378751.1, NM_001378752.1, NM_001378753.1); c.1607_1608del, p.Lys536fs (NM_001378754.1, NM_001378755.1); short protein forms K536fs, K748fs, K758fs, K761fs.
Identifiers: ClinVar variation 3038656 (VCV003038656.2), dbSNP rs1971543762, ClinGen allele CA2740093328.
Genomic context (GRCh38, chr16:50,792,634, plus strand): 5'-AAAAATATCTGTCTTTTTTATAGGCACCATCATGTCTGATTATTCAGATGCCTCGATTTG[GAA>G]AAGACTTTAAACTATTTAAAAAAATTTTTCCTTCTCTGGAATTAAATATAACAGATTTAC-3'

ClinVar aggregate classification (germline): Likely pathogenic (0 of 4 stars; one submission).

Conditions:
CYLD-related disorder. Also called: CYLD-related condition.

Submission:

PreventionGenetics, part of Exact Sciences
Classification: Likely pathogenic for CYLD-related condition. Last evaluated: 2024-01-05. Review status: no assertion criteria provided. Collection method: clinical testing. Allele origin: germline.
Comment: The CYLD c.2282_2283delAA variant is predicted to result in a frameshift and premature protein termination (p.Lys761Argfs*3). To our knowledge, this variant has not been reported in the literature or in a large population database, indicating this variant is rare. Frameshift variants in CYLD are expected to be pathogenic. Given the evidence, we interpret this variant as likely pathogenic.